The following is an entry in ClinVar:

ClinVar aggregate classification (germline): Uncertain significance (1 of 4 stars; one submission).

Conditions:
Muscular dystrophy-dystroglycanopathy (congenital with impaired intellectual development), type B, 1. Also called: Muscular dystrophy-dystroglycanopathy (congenital with intellectual disability), type B1; MUSCULAR DYSTROPHY, CONGENITAL, POMT1-RELATED. Identifiers: MedGen C5436962, MONDO:0013159, OMIM 613155.
Walker-Warburg congenital muscular dystrophy. Also called: Muscular dystrophy-dystroglycanopathy, type A; Walker-Warburg syndrome. Identifiers: Orphanet 899, MedGen C0265221, MONDO:0000171.
Autosomal recessive limb-girdle muscular dystrophy type 2K. Also called: MUSCULAR DYSTROPHY-DYSTROGLYCANOPATHY (LIMB-GIRDLE), TYPE C, 1; MUSCULAR DYSTROPHY, LIMB-GIRDLE, TYPE 2K. Identifiers: Orphanet 86812, MedGen C1836373, MONDO:0012248, OMIM 609308.

Allele frequency attached by ClinVar (database versions not stated): gnomAD 0.00001; TOPMed 0.00001.
gnomAD v4.1: 2 of 1,614,100 alleles (0.00012%); highest among the groups gnomAD compares: African/African-American, 0.0027%; no homozygotes.

Submission:

Labcorp Genetics (formerly Invitae), Labcorp
Classification: Uncertain significance for Muscular dystrophy-dystroglycanopathy (congenital with impaired intellectual development), type B, 1; Walker-Warburg congenital muscular dystrophy; Autosomal recessive limb-girdle muscular dystrophy type 2K. Last evaluated: 2022-08-07. Review status: criteria provided, single submitter. Criteria: Invitae Variant Classification Sherloc (09022015). Collection method: clinical testing. Allele origin: germline.
Comment: In summary, the available evidence is currently insufficient to determine the role of this variant in disease. Therefore, it has been classified as a Variant of Uncertain Significance. Algorithms developed to predict the effect of missense changes on protein structure and function output the following: SIFT: "Tolerated"; PolyPhen-2: "Benign"; Align-GVGD: "Class C0". The leucine amino acid residue is found in multiple mammalian species, which suggests that this missense change does not adversely affect protein function. This variant has not been reported in the literature in individuals affected with POMT1-related conditions. This variant is present in population databases (no rsID available, gnomAD 0.01%). This sequence change replaces valine, which is neutral and non-polar, with leucine, which is neutral and non-polar, at codon 208 of the POMT1 protein (p.Val208Leu).

NM_001077365.2(POMT1):c.622G>T (p.Val208Leu)

Gene: POMT1 (protein O-mannosyltransferase 1; plus strand). Cytogenetic location: 9q34.13.
Variant type: single nucleotide variant.
Coding change: c.622G>T on transcript NM_001077365.2 (MANE Select); coding-DNA position 622, G replaced by T.
Protein change: p.Val208Leu; replaces valine 208 with leucine.
Molecular consequence: missense variant. On other transcripts: non-coding transcript variant (10).
Genome position (GRCh38, 1-based): chr9:131,509,919, G>T. VCF-style: chr9-131509919-G-T. GRCh37 (hg19) VCF-style: chr9-134385306-G-T.
Other names: c.460G>T, p.Val154Leu (NM_001077366.2, NM_001353194.2, NM_001353197.2 and 3 more transcripts); c.622G>T, p.Val208Leu (NM_001136113.2, NM_001353193.2, NM_001374690.1 and 1 more transcripts); c.271G>T, p.Val91Leu (NM_001136114.2, NM_001353195.2, NM_001353199.2 and 2 more transcripts); c.532G>T, p.Val178Leu (NM_001353196.2); c.166G>T, p.Val56Leu (NM_001353200.2, NM_001374695.1); c.-515G>T (NM_001411024.1); short protein forms V91L, V154L, V178L, V208L, V56L.
Identifiers: ClinVar variation 2057520 (VCV002057520.4), dbSNP rs753231001, ClinGen allele CA375307307.